The following is an entry in ClinVar:

ClinVar aggregate classification (germline): Uncertain significance (1 of 4 stars; one submission).

Allele frequency attached by ClinVar (database versions not stated): gnomAD exomes below 0.00001.

Submission:

Labcorp Genetics (formerly Invitae), Labcorp
Classification: Uncertain significance. Last evaluated: 2022-12-31. Review status: criteria provided, single submitter. Criteria: Invitae Variant Classification Sherloc (09022015). Collection method: clinical testing. Allele origin: germline.
Comment: In summary, the available evidence is currently insufficient to determine the role of this variant in disease. Therefore, it has been classified as a Variant of Uncertain Significance. Advanced modeling of protein sequence and biophysical properties (such as structural, functional, and spatial information, amino acid conservation, physicochemical variation, residue mobility, and thermodynamic stability) performed at Invitae indicates that this missense variant is not expected to disrupt EMC1 protein function. This variant has not been reported in the literature in individuals affected with EMC1-related conditions. This variant is not present in population databases (gnomAD no frequency). This sequence change replaces glutamic acid, which is acidic and polar, with glutamine, which is neutral and polar, at codon 888 of the EMC1 protein (p.Glu888Gln).

NM_015047.3(EMC1):c.2662G>C (p.Glu888Gln)

Genes: EMC1 (ER membrane protein complex subunit 1; minus strand), EMC1-AS1 (EMC1 antisense RNA 1; plus strand). Cytogenetic location: 1p36.13.
Variant type: single nucleotide variant.
Coding change: c.2662G>C on transcript NM_015047.3 (MANE Select); coding-DNA position 2662, G replaced by C.
Protein change: p.Glu888Gln; replaces glutamic acid 888 with glutamine.
Molecular consequence: missense variant.
Genome position (GRCh38, 1-based): chr1:19,220,774, C>G on the plus strand (G>C on the coding strand, the complement: EMC1 is on the minus strand). VCF-style: chr1-19220774-C-G. GRCh37 (hg19) VCF-style: chr1-19547268-C-G.
Other names: c.2659G>C, p.Glu887Gln (NM_001271427.2, NM_001271428.2); c.2596G>C, p.Glu866Gln (NM_001271429.2); c.2671G>C, p.Glu891Gln (NM_001375820.1); c.2668G>C, p.Glu890Gln (NM_001375821.1); short protein forms E888Q, E866Q, E891Q, E887Q, E890Q.
Identifiers: ClinVar variation 2825088 (VCV002825088.3), dbSNP rs2536649093, ClinGen allele CA338751575.
Genomic context (GRCh38, chr1:19,220,774, plus strand): 5'-GTTAAGTTATGTAAGGTCAGAGCCTTCAGCACTGCCCATGAGGGTCTCACCTGCTTTGTT[C>G]TGTTGGGATCTCGGGGCGGCGGGGATCCAGCAAAGCCTTAGGAAGGGAAAGAATTGCTCC-3'
Protein context (NP_055862.1, residues 878-898): LDPRRPEIPT[Glu888Gln]QSREENLIPY